The following is an entry in ClinVar:

ClinVar aggregate classification (germline): Uncertain significance (1 of 4 stars; one submission).

Conditions:
Fabry disease. Also called: Fabry's disease; ALPHA-GALACTOSIDASE A DEFICIENCY; ANDERSON-FABRY DISEASE; CERAMIDE TRIHEXOSIDASE DEFICIENCY; GLA DEFICIENCY; HEREDITARY DYSTOPIC LIPIDOSIS. Identifiers: Orphanet 324, MedGen C0002986, MONDO:0010526, OMIM 301500, HP:0001071. Disease mechanism: Fabry disease is due to inactivating mutations in the X-linked GLA gene resulting in deficiency of the enzyme Alpha Galactosidase-A., loss of function.

Submission:

All of Us Research Program, National Institutes of Health
Classification: Uncertain significance for Fabry disease. Last evaluated: 2024-07-20. Review status: criteria provided, single submitter. Criteria: ACMG Guidelines, 2015. Collection method: clinical testing. Allele origin: germline. Inheritance: X-linked inheritance. Observed: 1 variant allele, 1 heterozygote.
Comment: This missense variant replaces histidine with arginine at codon 186 of the GLA protein. Computational prediction suggests that this variant may not impact protein structure and function (internally defined REVEL score threshold <= 0.5, PMID: 27666373). To our knowledge, functional studies have not been reported for this variant. This variant has not been reported in individuals affected with GLA-related disorders in the literature. This variant has not been identified in the general population by the Genome Aggregation Database (gnomAD). The available evidence is insufficient to determine the role of this variant in disease conclusively. Therefore, this variant is classified as a Variant of Uncertain Significance.

This study involves interpretation of variants in research participants for the purpose of population health screening. Participant phenotype was not available at the time of variant classification. Additional details can be found in publication PMID: 35346344, PMCID: PMC8962531

NM_000169.3(GLA):c.557A>G (p.His186Arg)

Genes: GLA (galactosidase alpha; minus strand), RPL36A-HNRNPH2 (RPL36A-HNRNPH2 readthrough; plus strand). Cytogenetic location: Xq22.1.
Variant type: single nucleotide variant.
Coding change: c.557A>G on transcript NM_000169.3 (MANE Select); coding-DNA position 557, A replaced by G.
Protein change: p.His186Arg; replaces histidine 186 with arginine.
Molecular consequence: missense variant. On other transcripts: non-coding transcript variant (2), intron variant (2).
Genome position (GRCh38, 1-based): chrX:101,400,748, T>C on the plus strand (A>G on the coding strand, the complement: GLA is on the minus strand). VCF-style: chrX-101400748-T-C. GRCh37 (hg19) VCF-style: chrX-100655736-T-C.
Other names: c.680A>G, p.His227Arg (NM_001406747.1); c.557A>G, p.His186Arg (NM_001406748.1); c.300+5291T>C (NM_001199973.2); c.177+8926T>C (NM_001199974.2); short protein forms H186R, H227R.
Identifiers: ClinVar variation 3386875 (VCV003386875.1).